The following is an entry in ClinVar:

ClinVar aggregate classification (germline): Uncertain significance (1 of 4 stars; one submission).

Submission:

GeneDx
Classification: Uncertain significance. Last evaluated: 2022-06-07. Review status: criteria provided, single submitter. Criteria: GeneDx Variant Classification Process June 2021. Collection method: clinical testing. Allele origin: germline. Affected: yes.
Comment: Not observed at significant frequency in large population cohorts (gnomAD); Nonsense variant predicted to result in protein truncation or nonsense mediated decay in a gene or region of a gene for which loss of function is not a well-established mechanism of disease; Has not been previously published as pathogenic or benign to our knowledge

NM_001366110.1(PAX4):c.706C>T (p.Gln236Ter)

Gene: PAX4 (paired box 4; minus strand). Cytogenetic location: 7q32.1.
Variant type: single nucleotide variant.
Coding change: c.706C>T on transcript NM_001366110.1 (MANE Select); coding-DNA position 706, C replaced by T.
Protein change: p.Gln236Ter; replaces glutamine 236 with a stop codon.
Molecular consequence: nonsense.
Genome position (GRCh38, 1-based): chr7:127,613,031, G>A on the plus strand (C>T on the coding strand, the complement: PAX4 is on the minus strand). VCF-style: chr7-127613031-G-A. GRCh37 (hg19) VCF-style: chr7-127253085-G-A.
Other names: NM_006193.2:c.682C>T; c.706C>T, p.Gln236Ter (NM_001366111.1); short protein forms Q236*.
Identifiers: ClinVar variation 1803426 (VCV001803426.1), dbSNP rs1328872875, ClinGen allele CA369171104.
Genomic context (GRCh38, chr7:127,613,031, plus strand): 5'-GGATGGATAGATGACTGAGCGGGCAGATGGATGATGGTGCAGAGAAATCACCTGGCAGCT[G>A]CATTTCCCACTTGAGCTTCTCTTGCCGACGCCATTTGGCTCTTCTGTTGGAAAACCAGAC-3'